The following is an entry in ClinVar:

ClinVar aggregate classification (germline): Uncertain significance (1 of 4 stars; one submission).

gnomAD v4.1: 1 of 1,613,886 alleles (0.000062%); highest among the groups gnomAD compares: Non-Finnish European, 0.000085%; no homozygotes.

Submission:

Women's Health and Genetics/Laboratory Corporation of America, LabCorp
Classification: Uncertain significance. Last evaluated: 2026-04-29. Review status: criteria provided, single submitter. Criteria: LabCorp Variant Classification Summary - May 2015. Collection method: clinical testing. Allele origin: germline.
Comment: Variant summary: C1S c.949G>A (p.Val317Met) results in a conservative amino acid change in the encoded protein sequence. Algorithms developed to predict the effect of missense changes on protein structure and function are either unavailable or do not agree on the potential impact of this missense change. The variant was absent in 251486 control chromosomes. The available data on variant occurrences in the general population are insufficient to allow any conclusion about variant significance. To our knowledge, no occurrence of c.949G>A in individuals affected with C1S-related conditions and no experimental evidence demonstrating its impact on protein function have been reported. No submitters have cited clinical-significance assessments for this variant to ClinVar. Based on the evidence outlined above, the variant was classified as uncertain significance.

NM_001734.5(C1S):c.949G>A (p.Val317Met)

Gene: C1S (complement C1s; plus strand). Cytogenetic location: 12p13.31.
Variant type: single nucleotide variant.
Coding change: c.949G>A on transcript NM_001734.5 (MANE Select); coding-DNA position 949, G replaced by A.
Protein change: p.Val317Met; replaces valine 317 with methionine.
Molecular consequence: missense variant.
Genome position (GRCh38, 1-based): chr12:7,066,595, G>A. VCF-style: chr12-7066595-G-A. GRCh37 (hg19) VCF-style: chr12-7173899-G-A.
Other names: c.448G>A, p.Val150Met (NM_001346850.2); c.949G>A, p.Val317Met (NM_201442.4); short protein forms V150M, V317M.
Identifiers: ClinVar variation 4848480 (VCV004848480.1).
Genomic context (GRCh38, chr12:7,066,595, plus strand): 5'-GAAGACACTCCCAATTCTGTTTGGGAGCCTGCGAAGGCAAAATATGTCTTTAGAGATGTG[G>A]TGCAGATAACCTGTCTGGATGGGTTTGAAGTTGTGGAGGTAAAGTACCACCTTGGCTTCT-3'
Protein context (NP_001725.1, residues 307-327): AKAKYVFRDV[Val317Met]QITCLDGFEV